The following is an entry in ClinVar:

ClinVar aggregate classification (germline): Pathogenic (1 of 4 stars; one submission).

Conditions:
Mucopolysaccharidosis, MPS-II (MPS2). Also called: Hunter Syndrome; IDURONATE 2-SULFATASE DEFICIENCY; Mucopolysaccharidosis Type II; Mucopolysaccharidosis type 2; Attenuated MPS (subtype; formerly known as mild MPS II); Severe MPS II. Identifiers: Orphanet 580, Orphanet 79388, MedGen C0026705, MONDO:0010674, OMIM 309900.

Submission:

Laboratory of Diagnosis and Therapy of Lysosomal Disorders, University of Padova
Classification: Pathogenic for Mucopolysaccharidosis, MPS-II. Last evaluated: 2024-06-07. Review status: criteria provided, single submitter. Criteria: ACMG Guidelines, 2015. Collection method: literature only. Allele origin: germline. Affected: yes. Observed: 3 variant alleles.
Comment: Null variant (PVS1_VeryStrong), Absent from controls (or at low frequency) in gnomAD database (PM2_Moderate), Patient’s phenotype or family history highly specific for the disease (PP4_Strong)

Classification method: ACMG Guidelines [PMID:25741868] with modifications

Literature cited by the submitters: PubMed 8281149; PubMed 8111411; PubMed 7887413.

NM_000202.8(IDS):c.1044del (p.Lys347_Tyr348insTer)

Genes: IDS (iduronate 2-sulfatase; minus strand), LOC106050102 (IDS recombination region; plus strand). Cytogenetic location: Xq28.
Variant type: Deletion.
Coding change: c.1044del on transcript NM_000202.8 (MANE Select); coding-DNA position 1044, one base deleted (C; older notation c.1044delC).
Protein change: p.Lys347_Tyr348insTer.
Molecular consequence: nonsense.
Genome position (GRCh38, 1-based): chrX:149,487,061, G deleted on the plus strand (C on the coding strand, the reverse complement: IDS is on the minus strand). VCF-style (leftmost placement, unchanged base first): chrX-149487060-TG-T. GRCh37 (hg19) VCF-style: chrX-148568591-TG-T.
Other names: c.774del, p.Lys257_Tyr258insTer (NM_001166550.4).
Identifiers: ClinVar variation 3255948 (VCV003255948.2).
Genomic context (GRCh38, chrX:149,487,060, plus strand): 5'-AAGCCGTCCTTCCAGGAACATAGAATATCAGGGGAACATGGGTAGCAACATCAAAATTGC[TG>T]TATTTGGCCCATTCTCCATGTTCACCTAGAGCCCACCCTAGTTCATAAAAAGCACAGAAT-3'